The following is an entry in ClinVar:

NM_001130438.3(SPTAN1):c.4076G>A (p.Arg1359Gln)

Gene: SPTAN1 (spectrin alpha, non-erythrocytic 1; plus strand). Cytogenetic location: 9q34.11.
Variant type: single nucleotide variant.
Coding change: c.4076G>A on transcript NM_001130438.3 (MANE Select); coding-DNA position 4076, G replaced by A.
Protein change: p.Arg1359Gln; replaces arginine 1359 with glutamine.
Molecular consequence: missense variant.
Genome position (GRCh38, 1-based): chr9:128,607,633, G>A. VCF-style: chr9-128607633-G-A. GRCh37 (hg19) VCF-style: chr9-131369912-G-A.
Other names: c.4016G>A, p.Arg1339Gln (NM_001195532.2, NM_001363765.2, NM_001375314.2); c.4076G>A, p.Arg1359Gln (NM_001363759.2, NM_001375310.1, NM_001375311.2 and 2 more transcripts); c.4112G>A, p.Arg1371Gln (NM_001375312.2, NM_001375318.1); short protein forms R1371Q, R1339Q, R1359Q.
Identifiers: ClinVar variation 1041606 (VCV001041606.16), dbSNP rs1176851202, ClinGen allele CA375065779.

ClinVar aggregate classification (germline): Conflicting classifications of pathogenicity. Review status: criteria provided, conflicting classifications (1 of 4 stars). 4 submissions from 4 submitters: Uncertain significance (3); Likely benign (1). Last evaluated 2026-03-30.

Conditions:
Developmental and epileptic encephalopathy, 5 (DEE5). Identifiers: Orphanet 3451, MedGen C3150731, MONDO:0013277, OMIM 613477.
Early-infantile DEE. Also called: Ohtahara syndrome; Early infantile epileptic encephalopathy; Early infantile epileptic encephalopathy with suppression bursts. Identifiers: Orphanet 1934, MedGen C0393706, MONDO:0800491.

Allele frequency attached by ClinVar (database versions not stated): gnomAD exomes below 0.00001 and 0.00001; gnomAD 0.00002; TOPMed 0.00002.
gnomAD v4.1: 8 of 1,613,902 alleles (0.0005%); highest among the groups gnomAD compares: Admixed American, 0.005%; no homozygotes.

Submissions (4):

Women's Health and Genetics/Laboratory Corporation of America, LabCorp
Classification: Uncertain significance. Last evaluated: 2026-03-30. Review status: criteria provided, single submitter. Criteria: LabCorp Variant Classification Summary - May 2015. Collection method: clinical testing. Allele origin: germline.
Comment: Variant summary: SPTAN1 c.4076G>A (p.Arg1359Gln) results in a conservative amino acid change in the encoded protein sequence. Algorithms developed to predict the effect of missense changes on protein structure and function are either unavailable or do not agree on the potential impact of this missense change. The variant allele was found at a frequency of 8e-06 in 251468 control chromosomes (gnomAD). The available data on variant occurrences in the general population are insufficient to allow any conclusion about variant significance. c.4076G>A has been observed in individuals affected with developmental disorders and autism (Kaplanis_2020, Zhou_2022). These reports do not provide unequivocal conclusions about association of the variant with Epileptic Encephalopathy, Early Infantile, 5. To our knowledge, no experimental evidence demonstrating an impact on protein function has been reported. The following publications have been ascertained in the context of this evaluation (PMID: 33057194, 35982159). ClinVar contains an entry for this variant (Variation ID: 1041606). Based on the evidence outlined above, the variant was classified as uncertain significance.

Genome-Nilou Lab
Classification: Uncertain significance for Developmental and epileptic encephalopathy, 5. Last evaluated: 2021-07-15. Review status: criteria provided, single submitter. Criteria: ACMG Guidelines, 2015. Collection method: clinical testing. Allele origin: germline. Affected: no.

Labcorp Genetics (formerly Invitae), Labcorp
Classification: Uncertain significance for Early-infantile DEE. Last evaluated: 2021-04-18. Review status: criteria provided, single submitter. Criteria: Invitae Variant Classification Sherloc (09022015). Collection method: clinical testing. Allele origin: germline.
Comment: This sequence change replaces arginine with glutamine at codon 1359 of the SPTAN1 protein (p.Arg1359Gln). The arginine residue is highly conserved and there is a small physicochemical difference between arginine and glutamine. In summary, the available evidence is currently insufficient to determine the role of this variant in disease. Therefore, it has been classified as a Variant of Uncertain Significance. Algorithms developed to predict the effect of missense changes on protein structure and function (SIFT, PolyPhen-2, Align-GVGD) all suggest that this variant is likely to be tolerated, but these predictions have not been confirmed by published functional studies and their clinical significance is uncertain. This variant has not been reported in the literature in individuals with SPTAN1-related conditions. This variant is not present in population databases (ExAC no frequency).

GeneDx
Classification: Likely benign. Last evaluated: 2019-08-12. Review status: criteria provided, single submitter. Criteria: GeneDx Variant Classification Process June 2021. Collection method: clinical testing. Allele origin: germline. Affected: yes.
Comment: Missense variant in a gene in which most reported pathogenic variants are truncating/loss-of-function; In silico analysis, which includes protein predictors and evolutionary conservation, supports that this variant does not alter protein structure/function; Has not been previously published as pathogenic or benign to our knowledge

Literature cited by the submitters: PubMed 35982159 (cited by Women's Health and Genetics/Laboratory Corporation of America, LabCorp); PubMed 33057194 (cited by Women's Health and Genetics/Laboratory Corporation of America, LabCorp).